The following is an entry in ClinVar:

ClinVar aggregate classification (germline): Uncertain significance (1 of 4 stars; one submission).

Conditions:
Achondrogenesis, type IA (ACG1A). Identifiers: Orphanet 932, Orphanet 93299, MedGen C0265273, MONDO:0008701, OMIM 200600.

Allele frequency attached by ClinVar (database versions not stated): ExAC 0.00004.
gnomAD v4.1: 22 of 1,610,414 alleles (0.0014%); highest among the groups gnomAD compares: South Asian, 0.024%; 1 homozygote.

Submission:

Labcorp Genetics (formerly Invitae), Labcorp
Classification: Uncertain significance for Achondrogenesis, type IA. Last evaluated: 2022-08-16. Review status: criteria provided, single submitter. Criteria: Invitae Variant Classification Sherloc (09022015). Collection method: clinical testing. Allele origin: germline.
Comment: This sequence change replaces aspartic acid, which is acidic and polar, with alanine, which is neutral and non-polar, at codon 552 of the TRIP11 protein (p.Asp552Ala). This variant is present in population databases (rs747623787, gnomAD 0.04%), including at least one homozygous and/or hemizygous individual. This variant has not been reported in the literature in individuals affected with TRIP11-related conditions. Algorithms developed to predict the effect of missense changes on protein structure and function are either unavailable or do not agree on the potential impact of this missense change (SIFT: "Not Available"; PolyPhen-2: "Benign"; Align-GVGD: "Not Available"). In summary, the available evidence is currently insufficient to determine the role of this variant in disease. Therefore, it has been classified as a Variant of Uncertain Significance.

NM_004239.4(TRIP11):c.1655A>C (p.Asp552Ala)

Gene: TRIP11 (thyroid hormone receptor interactor 11; minus strand). Cytogenetic location: 14q32.12.
Variant type: single nucleotide variant.
Coding change: c.1655A>C on transcript NM_004239.4 (MANE Select); coding-DNA position 1655, A replaced by C.
Protein change: p.Asp552Ala; replaces aspartic acid 552 with alanine.
Molecular consequence: missense variant.
Genome position (GRCh38, 1-based): chr14:92,006,321, T>G on the plus strand (A>C on the coding strand, the complement: TRIP11 is on the minus strand). VCF-style: chr14-92006321-T-G. GRCh37 (hg19) VCF-style: chr14-92472665-T-G.
Other names: c.1652A>C, p.Asp551Ala (NM_001321851.1); short protein forms D551A, D552A.
Identifiers: ClinVar variation 2051373 (VCV002051373.4), dbSNP rs747623787, ClinGen allele CA7313888.